The following is an entry in ClinVar:

ClinVar aggregate classification (germline): Conflicting classifications of pathogenicity. Review status: criteria provided, conflicting classifications (1 of 4 stars). 5 submissions from 5 submitters: Likely pathogenic (1); Uncertain significance (4). Last evaluated 2025-06-29.

Conditions:
PRPS1-related disorder. Also called: PRPS1-related condition.
Charcot-Marie-Tooth Neuropathy X. Identifiers: MedGen CN118851.
PRPS1 deficiency disorder. Identifiers: MedGen CN380160, MONDO:0100061.

Submissions (5):

Labcorp Genetics (formerly Invitae), Labcorp
Classification: Uncertain significance for Charcot-Marie-Tooth Neuropathy X. Last evaluated: 2025-06-29. Review status: criteria provided, single submitter. Criteria: Invitae Variant Classification Sherloc (09022015). Collection method: clinical testing. Allele origin: germline.
Comment: This sequence change replaces arginine, which is basic and polar, with glutamine, which is neutral and polar, at codon 96 of the PRPS1 protein (p.Arg96Gln). This variant is not present in population databases (gnomAD no frequency). This missense change has been observed in individual(s) with non-syndromic sensorineural deafness (PMID: 39763288). ClinVar contains an entry for this variant (Variation ID: 1212077). Invitae Evidence Modeling of protein sequence and biophysical properties (such as structural, functional, and spatial information, amino acid conservation, physicochemical variation, residue mobility, and thermodynamic stability) has been performed for this missense variant. However, the output from this modeling did not meet the statistical confidence thresholds required to predict the impact of this variant on PRPS1 protein function. In summary, the available evidence is currently insufficient to determine the role of this variant in disease. Therefore, it has been classified as a Variant of Uncertain Significance.

Victorian Clinical Genetics Services, Murdoch Childrens Research Institute
Classification: Uncertain significance for PRPS1 deficiency disorder. Last evaluated: 2025-03-12. Review status: criteria provided, single submitter. Criteria: ACMG Guidelines, 2015. Collection method: clinical testing. Allele origin: germline. Affected: yes.
Comment: This variant is classified as VUS-3A. Evidence in support of pathogenic classification: Variant is absent from gnomAD (v2, v3 and v4); This variant has limited previous evidence of pathogenicity in an unrelated individual(s). This variant has been classified as a VUS by diagnostic laboratories in ClinVar, and more recently reported in the literature in an individual with Charcot-Marie-Tooth disease 5 (PMID: 38619019); Missense variant in a region that is highly intolerant to missense variation (high constraint region in DECIPHER). Evidence in support of benign classification: Same amino acid change has been observed in placental mammals. Additional information: Variant is predicted to result in a missense amino acid change from arginine to glutamine; This variant is heterozygous; This gene is associated with X-linked disease. Females can be both mildly affected and asymptomatic, with some evidence that this is dependent on skewed X-chromosome inactivation (OMIM, PMIDs: 32781272, 17701896); No published functional evidence has been identified for this variant; No comparable missense variants have previous evidence for pathogenicity. However, p.(Arg96Trp) has been identified in at least three individuals with PRPS1-related features and classified as pathogenic by a clinical laboratory and as a VUS in another older submission in ClinVar (personal communication); Loss of function and gain of function are known mechanisms of disease in this gene and are associated with PRPS1-related disease. Loss of function missense variants have been reported to cause Arts syndrome (MIM#301835), X-linked Charcot-Marie-Tooth disease 5 (MIM#311070), and X-linked deafness 1 (MIM#304500). Gain of function missense variants have been reported to cause PRPS-related gout and phosphoribosylpyrophosphate synthetase superactivity (MIM#300661) (OMIM, PMIDs: 20301734, 20301738, 32781272, 7593598); Variants in this gene are known to have variable expressivity (PMID: 32781272); Inheritance information for this variant is not currently available in this individual.

CeGaT Center for Human Genetics Tuebingen
Classification: Uncertain significance. Last evaluated: 2024-01-01. Review status: criteria provided, single submitter. Criteria: CeGaT Center For Human Genetics Tuebingen Variant Classification Criteria Version 2. Collection method: clinical testing. Allele origin: germline. Affected: yes. Observed: 1 variant allele.
Comment: PRPS1: PM2, PP2

Blueprint Genetics
Classification: Likely pathogenic for PRPS1-related disorders. Last evaluated: 2019-10-18. Review status: criteria provided, single submitter. Criteria: ACMG Guidelines, 2015. Collection method: clinical testing. Allele origin: germline. Affected: yes. Observed: 2 variant alleles.

GeneDx
Classification: Uncertain significance. Last evaluated: 2019-07-23. Review status: criteria provided, single submitter. Criteria: GeneDx Variant Classification Process June 2021. Collection method: clinical testing. Allele origin: germline. Affected: yes.
Comment: Not observed in large population cohorts (Lek et al., 2016); In silico analysis, which includes protein predictors and evolutionary conservation, supports a deleterious effect; Has not been previously published as pathogenic or benign to our knowledge

Literature cited by the submitters: PubMed 39763288 (cited by Labcorp Genetics (formerly Invitae), Labcorp); PubMed 32781272 (cited by Victorian Clinical Genetics Services, Murdoch Childrens Research Institute); PubMed 38619019 (cited by Victorian Clinical Genetics Services, Murdoch Childrens Research Institute); PubMed 17701896 (cited by Victorian Clinical Genetics Services, Murdoch Childrens Research Institute); PubMed 20301738 (cited by Victorian Clinical Genetics Services, Murdoch Childrens Research Institute); PubMed 7593598 (cited by Victorian Clinical Genetics Services, Murdoch Childrens Research Institute); PubMed 20301734 (cited by Victorian Clinical Genetics Services, Murdoch Childrens Research Institute).

NM_002764.4(PRPS1):c.287G>A (p.Arg96Gln)

Gene: PRPS1 (phosphoribosyl pyrophosphate synthetase 1; plus strand). Cytogenetic location: Xq22.3.
Variant type: single nucleotide variant.
Coding change: c.287G>A on transcript NM_002764.4 (MANE Select); coding-DNA position 287, G replaced by A.
Protein change: p.Arg96Gln; replaces arginine 96 with glutamine.
Molecular consequence: missense variant. On other transcripts: intron variant (1).
Genome position (GRCh38, 1-based): chrX:107,639,459, G>A. VCF-style: chrX-107639459-G-A. GRCh37 (hg19) VCF-style: chrX-106882689-G-A.
Other names: c.-82-5718G>A (NM_001204402.2); short protein forms R96Q.
Identifiers: ClinVar variation 1212077 (VCV001212077.33), dbSNP rs2147681509, ClinGen allele CA413805640.